The following is an entry in ClinVar:

NM_001278689.2(EOGT):c.792C>T (p.Asn264=)

Gene: EOGT (EGF domain specific O-linked N-acetylglucosamine transferase; minus strand). Cytogenetic location: 3p14.1.
Variant type: single nucleotide variant.
Coding change: c.792C>T on transcript NM_001278689.2 (MANE Select); coding-DNA position 792, C replaced by T.
Protein change: p.Asn264=; no amino-acid change (asparagine 264 retained).
Molecular consequence: synonymous variant.
Genome position (GRCh38, 1-based): chr3:68,998,050, G>A on the plus strand (C>T on the coding strand, the complement: EOGT is on the minus strand). VCF-style: chr3-68998050-G-A. GRCh37 (hg19) VCF-style: chr3-69047201-G-A.
Other names: c.792C>T, p.Asn264= (NM_173654.3).
Identifiers: ClinVar variation 4985040 (VCV004985040.1).

ClinVar aggregate classification (germline): Likely benign (1 of 4 stars; one submission).

Conditions:
EOGT-related disorder. Also called: EOGT-related condition.

gnomAD v4.1: 63 of 1,600,526 alleles (0.0039%); highest among the groups gnomAD compares: South Asian, 0.063%; no homozygotes.

Submission:

PreventionGenetics, part of Exact Sciences
Classification: Likely benign for EOGT-related condition. Last evaluated: 2025-12-31. Review status: criteria provided, single submitter. Criteria: ACMG Guidelines, 2015. Collection method: clinical testing. Allele origin: germline.
Comment: This variant is classified as likely benign based on ACMG/AMP sequence variant interpretation guidelines (Richards et al. 2015 PMID: 25741868, with internal and published modifications).